The following is an entry in ClinVar:

NM_000494.4(COL17A1):c.1138G>A (p.Ala380Thr)

Gene: COL17A1 (collagen type XVII alpha 1 chain; minus strand). Cytogenetic location: 10q25.1.
Variant type: single nucleotide variant.
Coding change: c.1138G>A on transcript NM_000494.4 (MANE Select); coding-DNA position 1138, G replaced by A.
Protein change: p.Ala380Thr; replaces alanine 380 with threonine.
Molecular consequence: missense variant.
Genome position (GRCh38, 1-based): chr10:104,060,122, C>T on the plus strand (G>A on the coding strand, the complement: COL17A1 is on the minus strand). VCF-style: chr10-104060122-C-T. GRCh37 (hg19) VCF-style: chr10-105819880-C-T.
Other names: short protein forms A380T.
Identifiers: ClinVar variation 723900 (VCV000723900.12), dbSNP rs144300178, ClinGen allele CA5679161.

ClinVar aggregate classification (germline): Likely benign. Review status: criteria provided, multiple submitters, no conflicts (2 of 4 stars). 4 submissions from 4 submitters: Likely benign (2). 2 of the submissions do not count toward it. Last evaluated 2026-01-21.

Conditions:
COL17A1-related disorder. Also called: COL17A1-related condition.

Allele frequency attached by ClinVar (database versions not stated): gnomAD exomes 0.00031; ExAC 0.00037; ESP Exome Variant Server 0.00069; 1000 Genomes Project 30x 0.00078; 1000 Genomes Project 0.00080; gnomAD 0.00107 and 0.00120; TOPMed 0.00127.
gnomAD v4.1: 377 of 1,614,090 alleles (0.023%); highest among the groups gnomAD compares: African/African-American, 0.45%; no homozygotes.

Submissions (4):

Labcorp Genetics (formerly Invitae), Labcorp
Classification: Likely benign. Last evaluated: 2026-01-21. Review status: criteria provided, single submitter. Criteria: Invitae Variant Classification Sherloc (09022015). Collection method: clinical testing. Allele origin: germline.

PreventionGenetics, part of Exact Sciences
Classification: Likely benign for COL17A1-related condition. Last evaluated: 2025-09-29. Review status: criteria provided, single submitter. Criteria: ACMG Guidelines, 2015. Collection method: clinical testing. Allele origin: germline.
Comment: This variant is classified as likely benign based on ACMG/AMP sequence variant interpretation guidelines (Richards et al. 2015 PMID: 25741868, with internal and published modifications).

Clinical Genetics DNA and cytogenetics Diagnostics Lab, Erasmus MC, Erasmus Medical Center
Classification: Likely benign. Review status: no assertion criteria provided. Collection method: clinical testing. Allele origin: germline. Affected: yes. Study: VKGL Data-share Consensus. Not counted in ClinVar's aggregate classification.

Diagnostic Laboratory, Department of Genetics, University Medical Center Groningen
Classification: Likely benign. Review status: no assertion criteria provided. Collection method: clinical testing. Allele origin: germline. Affected: yes. Study: VKGL Data-share Consensus. Not counted in ClinVar's aggregate classification.